The following is an entry in ClinVar:

NM_001244008.2(KIF1A):c.4374_4375delinsTA (p.Glu1459Lys)

Gene: KIF1A (kinesin family member 1A; minus strand). Cytogenetic location: 2q37.3.
Variant type: Indel.
Coding change: c.4374_4375delinsTA on transcript NM_001244008.2 (MANE Select); coding-DNA positions 4374 to 4375, CG replaced by TA.
Protein change: p.Glu1459Lys; replaces glutamic acid 1459 with lysine.
Molecular consequence: missense variant.
Genome position (GRCh38, 1-based): chr2:240,723,502-240,723,503, CG replaced by TA on the plus strand (CG replaced by TA on the coding strand, the reverse complement: KIF1A is on the minus strand). VCF-style: chr2-240723502-CG-TA. GRCh37 (hg19) VCF-style: chr2-241662919-CG-TA.
Other names: c.4098_4099delinsTA, p.Glu1367Lys (NM_001320705.2, NM_001379649.1); c.4125_4126delinsTA, p.Glu1376Lys (NM_001330289.2); c.4173_4174delinsTA, p.Glu1392Lys (NM_001330290.2, NM_001379648.1); c.4449_4450delinsTA, p.Glu1484Lys (NM_001379631.1); c.4350_4351delinsTA, p.Glu1451Lys (NM_001379632.1); c.4347_4348delinsTA, p.Glu1450Lys (NM_001379633.1, NM_001379645.1); c.4200_4201delinsTA, p.Glu1401Lys (NM_001379634.1); c.4197_4198delinsTA, p.Glu1400Lys (NM_001379635.1, NM_001379646.1); and 7 more; short protein forms E1357K, E1358K, E1366K, E1367K, E1375K, E1376K, E1383K, E1392K.
Identifiers: ClinVar variation 1254702 (VCV001254702.2), dbSNP rs2125604899, ClinGen allele CA2499215805.
Genomic context (GRCh38, chr2:240,723,502, plus strand): 5'-CCCACTGGTGGTCCAGAATGAGACTGTCACTCCGGGGCCTCCAGCCTGCCAGGTTCTCCT[CG>TA]CCCCGGACATAGGCCACAGATGTGTCCAGGACTCGTCGGCGCCGGCGCTGCATCCCTGCA-3'
Protein context (NP_001230937.1, residues 1449-1469): LDTSVAYVRG[Glu1459Lys]ENLAGWRPRS

ClinVar aggregate classification (germline): Uncertain significance (1 of 4 stars; one submission).

Submission:

GeneDx
Classification: Uncertain significance. Last evaluated: 2021-07-19. Review status: criteria provided, single submitter. Criteria: GeneDx Variant Classification Process June 2021. Collection method: clinical testing. Allele origin: germline. Affected: yes.
Comment: Has not been previously published as pathogenic or benign to our knowledge; Additionally, in silico analysis, which includes splice predictors and evolutionary conservation, suggests this variant may impact gene splicing. In the absence of RNA/functional studies, the actual effect of this sequence change is unknown.; In silico analysis supports a deleterious effect on protein structure/function; Not observed in large population cohorts (Lek et al., 2016); This variant is associated with the following publications: (PMID: 27535533)